The following is an entry in ClinVar:

NM_015910.7(WDPCP):c.2188C>A (p.Gln730Lys)

Gene: WDPCP (WD repeat containing planar cell polarity effector; minus strand). Cytogenetic location: 2p15.
Variant type: single nucleotide variant.
Coding change: c.2188C>A on transcript NM_015910.7 (MANE Select); coding-DNA position 2188, C replaced by A.
Protein change: p.Gln730Lys; replaces glutamine 730 with lysine.
Molecular consequence: missense variant. On other transcripts: non-coding transcript variant (3).
Genome position (GRCh38, 1-based): chr2:63,152,916, G>T on the plus strand (C>A on the coding strand, the complement: WDPCP is on the minus strand). VCF-style: chr2-63152916-G-T. GRCh37 (hg19) VCF-style: chr2-63380051-G-T.
Other names: c.1711C>A, p.Gln571Lys (NM_001042692.3); c.2116C>A, p.Gln706Lys (NM_001354044.2); short protein forms Q571K, Q706K, Q730K.
Identifiers: ClinVar variation 3346469 (VCV003346469.1).
Genomic context (GRCh38, chr2:63,152,916, plus strand): 5'-CATTATGCTTTTCTCTTAGAATTTAAATGTCTAGTAATAAACAGAGAAAGTGTTTTACCT[G>T]TTCTCTGCCGTCTTCTCTCAGTTCTCCGTCTAAAGTAAAAGATTAAAACATTAATTATCT-3'
Protein context (NP_056994.3, residues 720-740): DGELREDGRE[Gln730Lys]EIRDGGSLKM

ClinVar aggregate classification (germline): Uncertain significance (0 of 4 stars; one submission).

Conditions:
WDPCP-related disorder. Also called: WDPCP-related condition.

Submission:

PreventionGenetics, part of Exact Sciences
Classification: Uncertain significance for WDPCP-related condition. Last evaluated: 2024-07-10. Review status: no assertion criteria provided. Collection method: clinical testing. Allele origin: germline.
Comment: The WDPCP c.2188C>A variant is predicted to result in the amino acid substitution p.Gln730Lys. To our knowledge, this variant has not been reported in the literature or in a large population database, indicating this variant is rare. At this time, the clinical significance of this variant is uncertain due to the absence of conclusive functional and genetic evidence.